The following is an entry in ClinVar:

NM_033343.4(LHX4):c.953C>T (p.Ser318Leu)

Genes: ACBD6 (acyl-CoA binding domain containing 6; minus strand), LHX4 (LIM homeobox 4; plus strand), LHX4-AS1 (LHX4 antisense RNA 1; minus strand). Cytogenetic location: 1q25.2.
Variant type: single nucleotide variant.
Coding change: c.953C>T on transcript NM_033343.4 (MANE Select); coding-DNA position 953, C replaced by T.
Protein change: p.Ser318Leu; replaces serine 318 with leucine.
Molecular consequence: missense variant.
Genome position (GRCh38, 1-based): chr1:180,274,359, C>T. VCF-style: chr1-180274359-C-T. GRCh37 (hg19) VCF-style: chr1-180243494-C-T.
Other names: short protein forms S318L.
Identifiers: ClinVar variation 2723874 (VCV002723874.4), dbSNP rs766990314, ClinGen allele CA1272057.
Genomic context (GRCh38, chr1:180,274,359, plus strand): 5'-CCTATCAGGACTTGAGGGATGGGAGCCCCTATGGAATCCCCCAGTCTCCATCCTCCATAT[C>T]GTCCCTGCCATCCCACGCTCCTTTGCTCAATGGGCTGGATTACACGGTGGACAGTAATTT-3'
Protein context (NP_203129.1, residues 308-328): YGIPQSPSSI[Ser318Leu]SLPSHAPLLN

ClinVar aggregate classification (germline): Uncertain significance. Review status: criteria provided, multiple submitters, no conflicts (2 of 4 stars). 2 submissions from 2 submitters: Uncertain significance (2). Last evaluated 2025-06-12.

Conditions:
Inborn genetic diseases. Identifiers: MedGen C0950123, MeSH D030342.

Allele frequency attached by ClinVar (database versions not stated): ExAC 0.00002; gnomAD 0.00003; TOPMed 0.00003.
gnomAD v4.1: 35 of 1,614,106 alleles (0.0022%); highest among the groups gnomAD compares: East Asian, 0.0045%; no homozygotes.

Submissions (2):

Labcorp Genetics (formerly Invitae), Labcorp
Classification: Uncertain significance. Last evaluated: 2025-06-12. Review status: criteria provided, single submitter. Criteria: Invitae Variant Classification Sherloc (09022015). Collection method: clinical testing. Allele origin: germline.
Comment: This sequence change replaces serine, which is neutral and polar, with leucine, which is neutral and non-polar, at codon 318 of the LHX4 protein (p.Ser318Leu). This variant is present in population databases (rs766990314, gnomAD 0.005%). This variant has not been reported in the literature in individuals affected with LHX4-related conditions. ClinVar contains an entry for this variant (Variation ID: 2723874). An algorithm developed to predict the effect of missense changes on protein structure and function (PolyPhen-2) suggests that this variant is likely to be tolerated. In summary, the available evidence is currently insufficient to determine the role of this variant in disease. Therefore, it has been classified as a Variant of Uncertain Significance.

Ambry Genetics
Classification: Uncertain significance for Inborn genetic diseases. Last evaluated: 2024-01-09. Review status: criteria provided, single submitter. Criteria: Ambry Variant Classification Scheme 2023. Collection method: clinical testing. Allele origin: germline.